The following is an entry in ClinVar:

NM_001283009.2(RTEL1):c.3010C>G (p.Pro1004Ala)

Genes: RTEL1 (regulator of telomere elongation helicase 1; plus strand), RTEL1-TNFRSF6B (RTEL1-TNFRSF6B readthrough (NMD candidate); plus strand). Cytogenetic location: 20q13.33.
Variant type: single nucleotide variant.
Coding change: c.3010C>G on transcript NM_001283009.2 (MANE Select); coding-DNA position 3010, C replaced by G.
Protein change: p.Pro1004Ala; replaces proline 1004 with alanine.
Molecular consequence: missense variant. On other transcripts: non-coding transcript variant (1).
Genome position (GRCh38, 1-based): chr20:63,694,389, C>G. VCF-style: chr20-63694389-C-G. GRCh37 (hg19) VCF-style: chr20-62325742-C-G.
Other names: c.2341C>G, p.Pro781Ala (NM_001283010.1); c.3010C>G, p.Pro1004Ala (NM_016434.4); c.3082C>G, p.Pro1028Ala (NM_032957.5); short protein forms P1004A, P1028A, P781A.
Identifiers: ClinVar variation 2130836 (VCV002130836.5), dbSNP rs2517193242, ClinGen allele CA409684391.
Genomic context (GRCh38, chr20:63,694,389, plus strand): 5'-AGATGCTCTCGACCAGCTTTGTGGCTCTACATCTCTTCATCAGGAAGAACGGCGCCGGAT[C>G]CCAAGCTGACCGTGTCCACGGCTGCAGCCCAGCAGCTGGACCCCCAAGAGCACCTGAACC-3'
Protein context (NP_001269938.1, residues 994-1014): LDPTGRTAPD[Pro1004Ala]KLTVSTAAAQ

ClinVar aggregate classification (germline): Uncertain significance. Review status: criteria provided, multiple submitters, no conflicts (2 of 4 stars). 2 submissions from 2 submitters: Uncertain significance (2). Last evaluated 2025-11-05.

Conditions:
Dyskeratosis congenita, autosomal recessive 5 (DKCB5). Identifiers: MedGen C3554656, MONDO:0014076, OMIM 615190.
Pulmonary fibrosis and/or bone marrow failure, Telomere-related, 3. Also called: PULMONARY FIBROSIS AND/OR BONE MARROW FAILURE SYNDROME, TELOMERE-RELATED, 3. Identifiers: Orphanet 2032, MedGen C4225346, MONDO:0014613, OMIM 616373.
Inborn genetic diseases. Identifiers: MedGen C0950123, MeSH D030342.

gnomAD v4.1: 3 of 1,610,764 alleles (0.00019%); highest among the groups gnomAD compares: Non-Finnish European, 0.00025%; no homozygotes.

Submissions (2):

Ambry Genetics
Classification: Uncertain significance for Inborn genetic diseases. Last evaluated: 2025-11-05. Review status: criteria provided, single submitter. Criteria: Ambry Variant Classification Scheme 2023. Collection method: clinical testing. Allele origin: germline.
Comment: The p.P1004A variant (also known as c.3010C>G), located in coding exon 30 of the RTEL1 gene, results from a C to G substitution at nucleotide position 3010. The proline at codon 1004 is replaced by alanine, an amino acid with highly similar properties. This amino acid position is conserved. In addition, this alteration is predicted to be tolerated by in silico analysis. Based on the available evidence, the clinical significance of this variant remains unclear.

Labcorp Genetics (formerly Invitae), Labcorp
Classification: Uncertain significance for Dyskeratosis congenita, autosomal recessive 5; Pulmonary fibrosis and/or bone marrow failure, Telomere-related, 3. Last evaluated: 2022-04-26. Review status: criteria provided, single submitter. Criteria: Invitae Variant Classification Sherloc (09022015). Collection method: clinical testing. Allele origin: germline.
Comment: This variant has not been reported in the literature in individuals affected with RTEL1-related conditions. This variant is not present in population databases (gnomAD no frequency). This sequence change replaces proline, which is neutral and non-polar, with alanine, which is neutral and non-polar, at codon 1004 of the RTEL1 protein (p.Pro1004Ala). In summary, the available evidence is currently insufficient to determine the role of this variant in disease. Therefore, it has been classified as a Variant of Uncertain Significance. Algorithms developed to predict the effect of missense changes on protein structure and function (SIFT, PolyPhen-2, Align-GVGD) all suggest that this variant is likely to be tolerated.